The following is an entry in ClinVar:

ClinVar aggregate classification (germline): Conflicting classifications of pathogenicity. Review status: criteria provided, conflicting classifications (1 of 4 stars). 3 submissions from 3 submitters: Uncertain significance (2); Likely benign (1). Last evaluated 2025-12-21.

Conditions:
KIT-related disorder. Also called: KIT-related condition.
Hereditary cancer-predisposing syndrome. Also called: Neoplastic Syndromes, Hereditary; Tumor predisposition; Hereditary Cancer Syndrome; Hereditary neoplastic syndrome. Identifiers: Orphanet 140162, MedGen C0027672, MeSH D009386, MONDO:0015356.
Gastrointestinal stromal tumor. Also called: Gastrointestinal stroma tumor; Gastrointestinal stromal tumor, somatic. Identifiers: Orphanet 44890, MedGen C0238198, MeSH D046152, MONDO:0011719, OMIM 606764, HP:0100723.

Allele frequency attached by ClinVar (database versions not stated): gnomAD exomes below 0.00001; ExAC 0.00001; TOPMed 0.00001; ESP Exome Variant Server 0.00008.
gnomAD v4.1: 2 of 1,613,962 alleles (0.00012%); highest among the groups gnomAD compares: Non-Finnish European, 0.00017%; no homozygotes.

Submissions (3):

Labcorp Genetics (formerly Invitae), Labcorp
Classification: Uncertain significance for Gastrointestinal stromal tumor. Last evaluated: 2025-12-21. Review status: criteria provided, single submitter. Criteria: Invitae Variant Classification Sherloc (09022015). Collection method: clinical testing. Allele origin: germline.
Comment: This sequence change replaces serine, which is neutral and polar, with phenylalanine, which is neutral and non-polar, at codon 123 of the KIT protein (p.Ser123Phe). This variant is present in population databases (rs371303702, gnomAD 0.0009%). This variant has not been reported in the literature in individuals affected with KIT-related conditions. ClinVar contains an entry for this variant (Variation ID: 409754). An algorithm developed to predict the effect of missense changes on protein structure and function outputs the following: PolyPhen-2: "Benign". The phenylalanine amino acid residue is found in multiple mammalian species, which suggests that this missense change does not adversely affect protein function. In summary, the available evidence is currently insufficient to determine the role of this variant in disease. Therefore, it has been classified as a Variant of Uncertain Significance.

Ambry Genetics
Classification: Likely benign for Hereditary cancer-predisposing syndrome. Last evaluated: 2024-12-03. Review status: criteria provided, single submitter. Criteria: Ambry Variant Classification Scheme 2023. Collection method: clinical testing. Allele origin: germline.

PreventionGenetics, part of Exact Sciences
Classification: Uncertain significance for KIT-related condition. Last evaluated: 2024-11-23. Review status: criteria provided, single submitter. Criteria: ACMG Guidelines, 2015. Collection method: clinical testing. Allele origin: germline.
Comment: The KIT c.368C>T variant is predicted to result in the amino acid substitution p.Ser123Phe. To our knowledge, this variant has not been reported in the literature. This variant is reported in 0.00088% of alleles in individuals of European (Non-Finnish) descent in gnomAD, and is interpreted as a variant of uncertain significance in ClinVar. At this time, the clinical significance of this variant is uncertain due to the absence of conclusive functional and genetic evidence.

NM_000222.3(KIT):c.368C>T (p.Ser123Phe)

Gene: KIT (KIT proto-oncogene, receptor tyrosine kinase; plus strand). Cytogenetic location: 4q12.
Variant type: single nucleotide variant.
Coding change: c.368C>T on transcript NM_000222.3 (MANE Select); coding-DNA position 368, C replaced by T.
Protein change: p.Ser123Phe; replaces serine 123 with phenylalanine.
Molecular consequence: missense variant.
Genome position (GRCh38, 1-based): chr4:54,698,314, C>T. VCF-style: chr4-54698314-C-T. GRCh37 (hg19) VCF-style: chr4-55564480-C-T.
Other names: c.368C>T, p.Ser123Phe (NM_001093772.2, NM_001385284.1, NM_001385285.1 and 4 more transcripts); short protein forms S123F.
Identifiers: ClinVar variation 409754 (VCV000409754.14), dbSNP rs371303702, ClinGen allele CA2923231.
Genomic context (GRCh38, chr4:54,698,314, plus strand): 5'-CAACTACTGATTTTGGATATGCTTCTATAGATCCTGCCAAGCTTTTCCTTGTTGACCGCT[C>T]CTTGTATGGGAAAGAAGACAACGACACGCTGGTCCGCTGTCCTCTCACAGACCCAGAAGT-3'
Protein context (NP_000213.1, residues 113-133): DPAKLFLVDR[Ser123Phe]LYGKEDNDTL